The following is an entry in ClinVar:

NM_017617.5(NOTCH1):c.6180+1G>T

Genes: NOTCH1 (notch receptor 1; minus strand), LOC126860794 (BRD4-independent group 4 enhancer GRCh37_chr9:139392592-139393791; plus strand). Cytogenetic location: 9q34.3.
Variant type: single nucleotide variant.
Coding change: c.6180+1G>T on transcript NM_017617.5 (MANE Select); the canonical splice donor site of the intron after coding-DNA position 6180, G replaced by T.
Molecular consequence: splice donor variant.
Genome position (GRCh38, 1-based): chr9:136,498,898, C>A on the plus strand (G>T on the coding strand, the complement: NOTCH1 is on the minus strand). VCF-style: chr9-136498898-C-A. GRCh37 (hg19) VCF-style: chr9-139393350-C-A.
Identifiers: ClinVar variation 1471790 (VCV001471790.8), dbSNP rs1842955649, ClinGen allele CA375633634.
Genomic context (GRCh38, chr9:136,498,898, plus strand): 5'-CCCTCACTTCTCTGTGGATTCAGCCCTCACGTCTCCCCTGGCATCCCAGCCTCGCGCTCA[C>A]CCTGTTGTTCTGCATATCTTTGTTAGCCCCGTTCTTCAGGAGCACAACTGCGGCATCCAC-3'

ClinVar aggregate classification (germline): Uncertain significance (1 of 4 stars; one submission).

Conditions:
Adams-Oliver syndrome 5 (AOS5). Identifiers: Orphanet 974, MedGen C4014970, MONDO:0014459, OMIM 616028.

Submission:

Labcorp Genetics (formerly Invitae), Labcorp
Classification: Uncertain significance for Adams-Oliver syndrome 5. Last evaluated: 2021-02-18. Review status: criteria provided, single submitter. Criteria: Invitae Variant Classification Sherloc (09022015). Collection method: clinical testing. Allele origin: germline.
Comment: In summary, the available evidence is currently insufficient to determine the role of this variant in disease. Therefore, it has been classified as a Variant of Uncertain Significance. Nucleotide substitutions within the consensus splice site are a relatively common cause of aberrant splicing (PMID: 17576681, 9536098). Algorithms developed to predict the effect of sequence changes on RNA splicing suggest that this variant may disrupt the consensus splice site, but this prediction has not been confirmed by published transcriptional studies. This variant has not been reported in the literature in individuals with NOTCH1-related conditions. This variant is not present in population databases (ExAC no frequency). This sequence change affects a donor splice site in intron 33 of the NOTCH1 gene. While this variant is not anticipated to result in nonsense mediated decay, it likely alters RNA splicing and results in a disrupted protein product.

Literature cited by the submitters: PubMed 17576681; PubMed 9536098.